The following is an entry in ClinVar:

NM_002225.5(IVD):c.1136_1138+4del

Gene: IVD (isovaleryl-CoA dehydrogenase; plus strand). Cytogenetic location: 15q15.1.
Variant type: Deletion.
Coding change: c.1136_1138+4del on transcript NM_002225.5 (MANE Select); coding-DNA position 1136 through 4 bases into the intron after coding-DNA position 1138, 7 bases deleted (TTGGTGA; older notation c.1136_1138+4delTTGGTGA).
Molecular consequence: splice donor variant.
Genome position (GRCh38, 1-based): chr15:40,416,360-40,416,366, TTGGTGA deleted. VCF-style (leftmost placement, unchanged base first): chr15-40416359-TTTGGTGA-T. GRCh37 (hg19) VCF-style: chr15-40708558-TTTGGTGA-T.
Other names: c.1223_1225+4del (NM_001354600.3, NM_001354599.3); c.1136_1138+4del (NM_001354598.3, NM_001354601.3); c.1088_1090+4del (NM_001354597.3); c.1046_1048+4del (NM_001159508.3).
Identifiers: ClinVar variation 3383998 (VCV003383998.1).

ClinVar aggregate classification (germline): Likely pathogenic (1 of 4 stars; one submission).

Conditions:
Isovaleryl-CoA dehydrogenase deficiency (IVA). Also called: ISOVALERIC ACID CoA DEHYDROGENASE DEFICIENCY; Isovaleric acidemia; IVD DEFICIENCY; Classic Isovaleric Acidemia. Identifiers: Orphanet 33, MedGen C0268575, MONDO:0009475, OMIM 243500.

Submission:

Dubai Health Genomic Medicine Center, Dubai Health
Classification: Likely pathogenic for Isovaleric acidemia. Last evaluated: 2024-10-04. Review status: criteria provided, single submitter. Criteria: ACMG Guidelines, 2015. Collection method: research. Allele origin: germline. Affected: yes.
Comment: PVS1,PM2